The following is an entry in ClinVar:

ClinVar aggregate classification (germline): Benign/Likely benign. Review status: criteria provided, multiple submitters, no conflicts (2 of 4 stars). 7 submissions from 7 submitters: Benign (2); Likely benign (4). 1 of the submissions does not count toward it. Last evaluated 2026-01-10.

Conditions:
Cardiovascular phenotype. Identifiers: MedGen CN230736.
EPHB4-related disorder. Also called: EPHB4-related condition; EPHB4-related disorders.

Allele frequency attached by ClinVar (database versions not stated): ESP Exome Variant Server 0.00047; gnomAD 0.00077; TOPMed 0.00108; ExAC 0.00250.
gnomAD v4.1: 1,700 of 1,570,698 alleles (0.11%); highest among the groups gnomAD compares: Non-Finnish European, 0.12%; 2 homozygotes.

Submissions (7):

Labcorp Genetics (formerly Invitae), Labcorp
Classification: Likely benign. Last evaluated: 2026-01-10. Review status: criteria provided, single submitter. Criteria: Invitae Variant Classification Sherloc (09022015). Collection method: clinical testing. Allele origin: germline.

ARUP Laboratories, Molecular Genetics and Genomics, ARUP Laboratories
Classification: Likely benign. Last evaluated: 2025-07-03. Review status: criteria provided, single submitter. Criteria: ARUP Molecular Germline Variant Investigation Process 2024. Collection method: clinical testing. Allele origin: germline.

Blueprint Genetics
Classification: Likely benign. Last evaluated: 2024-10-30. Review status: criteria provided, single submitter. Criteria: ACMG Guidelines, 2015. Collection method: clinical testing. Allele origin: germline.

Ambry Genetics
Classification: Benign for Cardiovascular phenotype. Last evaluated: 2023-05-18. Review status: criteria provided, single submitter. Criteria: Ambry Variant Classification Scheme 2023. Collection method: clinical testing. Allele origin: germline.

CeGaT Center for Human Genetics Tuebingen
Classification: Benign. Last evaluated: 2022-05-01. Review status: criteria provided, single submitter. Criteria: CeGaT Center For Human Genetics Tuebingen Variant Classification Criteria Version 2. Collection method: clinical testing. Allele origin: germline. Affected: yes. Observed: 1 variant allele.
Comment: EPHB4: BS1, BS2

Breakthrough Genomics
Classification: Likely benign. Review status: criteria provided, single submitter. Criteria: ACMG Guidelines, 2015. Collection method: not provided. Allele origin: germline. Inheritance: Autosomal dominant inheritance. Affected: yes.

PreventionGenetics, part of Exact Sciences
Classification: Likely benign for EPHB4-related condition. Last evaluated: 2020-08-31. Review status: no assertion criteria provided. Collection method: clinical testing. Allele origin: germline. Not counted in ClinVar's aggregate classification.
Comment: This variant is classified as likely benign based on ACMG/AMP sequence variant interpretation guidelines (Richards et al. 2015 PMID: 25741868, with internal and published modifications).

NM_004444.5(EPHB4):c.691C>T (p.Pro231Ser)

Gene: EPHB4 (EPH receptor B4; minus strand). Cytogenetic location: 7q22.1.
Variant type: single nucleotide variant.
Coding change: c.691C>T on transcript NM_004444.5 (MANE Select); coding-DNA position 691, C replaced by T.
Protein change: p.Pro231Ser; replaces proline 231 with serine.
Molecular consequence: missense variant.
Genome position (GRCh38, 1-based): chr7:100,822,388, G>A on the plus strand (C>T on the coding strand, the complement: EPHB4 is on the minus strand). VCF-style: chr7-100822388-G-A. GRCh37 (hg19) VCF-style: chr7-100420010-G-A.
Other names: short protein forms P231S.
Identifiers: ClinVar variation 709397 (VCV000709397.49), dbSNP rs147563837, ClinGen allele CA4393229.